The following is an entry in ClinVar:

NM_174936.4(PCSK9):c.751C>T (p.Arg251Cys)

Gene: PCSK9 (proprotein convertase subtilisin/kexin type 9; plus strand). Cytogenetic location: 1p32.3.
Variant type: single nucleotide variant.
Coding change: c.751C>T on transcript NM_174936.4 (MANE Select); coding-DNA position 751, C replaced by T.
Protein change: p.Arg251Cys; replaces arginine 251 with cysteine.
Molecular consequence: missense variant.
Genome position (GRCh38, 1-based): chr1:55,052,743, C>T. VCF-style: chr1-55052743-C-T. GRCh37 (hg19) VCF-style: chr1-55518416-C-T.
Other names: c.874C>T, p.Arg292Cys (NM_001407240.1); c.751C>T, p.Arg251Cys (NM_001407241.1, NM_001407244.1, NM_001407247.1); c.754C>T, p.Arg252Cys (NM_001407242.1); c.694C>T, p.Arg232Cys (NM_001407243.1); c.559C>T, p.Arg187Cys (NM_001407245.1); c.376C>T, p.Arg126Cys (NM_001407246.1); short protein forms R251C, R126C, R292C, R232C, R187C, R252C.
Identifiers: ClinVar variation 920353 (VCV000920353.12), dbSNP rs778900671, ClinGen allele CA044283.

ClinVar aggregate classification (germline): Uncertain significance. Review status: criteria provided, multiple submitters, no conflicts (2 of 4 stars). 5 submissions from 5 submitters: Uncertain significance (5). Last evaluated 2025-07-24.

Conditions:
Cardiovascular phenotype. Identifiers: MedGen CN230736.
Familial hypercholesterolemia. Also called: Familial hypercholesterolemias; Familial hypercholesterolaemia. Identifiers: MedGen C0020445, MONDO:0005439.
Hypercholesterolemia, autosomal dominant, 3 (FHCL3). Also called: Familial hypercholesterolemia 3; Familial Hypercholesterolemia, Autosomal Dominant, 3; PCSK9-Related Familial Hypercholesterolemia, Autosomal Dominant. Identifiers: MedGen C1863551, MONDO:0011369, OMIM 603776.

Allele frequency attached by ClinVar (database versions not stated): gnomAD 0.00001; gnomAD exomes 0.00001 and 0.00002; TOPMed 0.00002; ExAC 0.00003.
gnomAD v4.1: 16 of 1,613,072 alleles (0.00099%); highest among the groups gnomAD compares: Admixed American, 0.0083%; no homozygotes.

Submissions (5):

Women's Health and Genetics/Laboratory Corporation of America, LabCorp
Classification: Uncertain significance. Last evaluated: 2025-07-24. Review status: criteria provided, single submitter. Criteria: LabCorp Variant Classification Summary - May 2015. Collection method: clinical testing. Allele origin: germline.
Comment: Variant summary: PCSK9 c.751C>T (p.Arg251Cys) results in a non-conservative amino acid change in the encoded protein sequence. Algorithms developed to predict the effect of missense changes on protein structure and function all suggest that this variant is likely to be disruptive. The variant allele was found at a frequency of 2e-05 in 248936 control chromosomes. The available data on variant occurrences in the general population are insufficient to allow any conclusion about variant significance. c.751C>T has been observed in individual(s) affected with Familial Hypercholesterolemia (Meshkov_2021, Yang_2019). These report(s) do not provide unequivocal conclusions about association of the variant with Familial Hypercholesterolemia. To our knowledge, no experimental evidence demonstrating an impact on protein function has been reported. The following publications have been ascertained in the context of this evaluation (PMID: 33418990, 30827231).ClinVar contains an entry for this variant (Variation ID: 920353). Based on the evidence outlined above, the variant was classified as uncertain significance.

GeneDx
Classification: Uncertain significance. Last evaluated: 2025-05-29. Review status: criteria provided, single submitter. Criteria: GeneDx Variant Classification Process June 2021. Collection method: clinical testing. Allele origin: germline. Affected: yes.
Comment: Not observed at significant frequency in large population cohorts (gnomAD); In silico analysis supports that this missense variant has a deleterious effect on protein structure/function; This variant is associated with the following publications: (PMID: Ganesan2016[abstract], 33418990, 30827231)

Ambry Genetics
Classification: Uncertain significance for Cardiovascular phenotype. Last evaluated: 2024-09-19. Review status: criteria provided, single submitter. Criteria: Ambry Variant Classification Scheme 2023. Collection method: clinical testing. Allele origin: germline.
Comment: The p.R251C variant (also known as c.751C>T), located in coding exon 5 of the PCSK9 gene, results from a C to T substitution at nucleotide position 751. The arginine at codon 251 is replaced by cysteine, an amino acid with highly dissimilar properties. This variant has been reported in individuals from familial hypercholesterolemia cohorts, but clinical details were limited (Yang Y et al. Curr Pharm Des, 2019;25:190-200; Meshkov A et al. Genes (Basel), 2021 Jan;12). This amino acid position is well conserved in available vertebrate species. In addition, this alteration is predicted to be deleterious by in silico analysis. Based on the available evidence, the clinical significance of this variant remains unclear.

All of Us Research Program, National Institutes of Health
Classification: Uncertain significance for Hypercholesterolemia, autosomal dominant, 3. Last evaluated: 2024-04-16. Review status: criteria provided, single submitter. Criteria: ACMG Guidelines, 2015. Collection method: clinical testing. Allele origin: germline. Inheritance: Autosomal dominant inheritance. Observed: 5 variant alleles, 5 heterozygotes.
Comment: This missense variant replaces arginine with cysteine at codon 251 of the PCSK9 protein. Computational prediction suggests that this variant may have deleterious impact on protein structure and function (internally defined REVEL score threshold >= 0.7, PMID: 27666373). To our knowledge, functional studies have not been reported for this variant. This variant has been reported in two individuals affected with familial hypercholesterolemia (PMID: 30827231, 33418990) and in an individual affected with coronary artery disease (Ganesan et al, 2016). This variant has been identified in 5/248936 chromosomes in the general population by the Genome Aggregation Database (gnomAD). The available evidence is insufficient to determine the role of this variant in disease conclusively. Therefore, this variant is classified as a Variant of Uncertain Significance.

This study involves interpretation of variants in research participants for the purpose of population health screening. Participant phenotype was not available at the time of variant classification. Additional details can be found in publication PMID: 35346344, PMCID: PMC8962531

Color Diagnostics, LLC DBA Color Health
Classification: Uncertain significance for Familial hypercholesterolemia. Last evaluated: 2024-01-29. Review status: criteria provided, single submitter. Criteria: ACMG Guidelines, 2015. Collection method: clinical testing. Allele origin: germline.
Comment: This missense variant replaces arginine with cysteine at codon 251 of the PCSK9 protein. Computational prediction tools indicate that this variant has a deleterious impact on protein structure and function. To our knowledge, functional studies have not been reported for this variant. This variant has been reported in two individuals affected with familial hypercholesterolemia (PMID: 30827231, 33418990) and in one individual affected with coronary artery disease (Ganesan et al, 2016). This variant has been identified in 5/248936 chromosomes in the general population by the Genome Aggregation Database (gnomAD). The available evidence is insufficient to determine the role of this variant in disease conclusively. Therefore, this variant is classified as a Variant of Uncertain Significance.

Literature cited by the submitters: PubMed 33418990 (cited by 4 submitters); PubMed 30827231 (cited by 4 submitters).